The following is an entry in ClinVar:

ClinVar aggregate classification (germline): Likely benign. Review status: criteria provided, multiple submitters, no conflicts (2 of 4 stars). 3 submissions from 3 submitters: Likely benign (3). Last evaluated 2026-02-06.

Conditions:
Hereditary cancer-predisposing syndrome. Also called: Hereditary Cancer Syndrome; Tumor predisposition; Neoplastic Syndromes, Hereditary; Hereditary neoplastic syndrome. Identifiers: Orphanet 140162, MedGen C0027672, MeSH D009386, MONDO:0015356.
Familial adenomatous polyposis 1 (FAP1). Also called: FAMILIAL ADENOMATOUS POLYPOSIS 1, ATTENUATED; POLYPOSIS, ADENOMATOUS INTESTINAL. Identifiers: MedGen C2713442, MONDO:0021056, OMIM 175100. Disease mechanism: loss of function.

Allele frequency attached by ClinVar (database versions not stated): gnomAD exomes below 0.00001.
gnomAD v4.1: 1 of 1,614,138 alleles (0.000062%); highest among the groups gnomAD compares: Non-Finnish European, 0.000085%; no homozygotes.

Submissions (3):

Ambry Genetics
Classification: Likely benign for Hereditary cancer-predisposing syndrome. Last evaluated: 2026-02-06. Review status: criteria provided, single submitter. Criteria: Ambry Variant Classification Scheme 2023. Collection method: clinical testing. Allele origin: germline.

CeGaT Center for Human Genetics Tuebingen
Classification: Likely benign. Last evaluated: 2025-08-01. Review status: criteria provided, single submitter. Criteria: CeGaT Center For Human Genetics Tuebingen Variant Classification Criteria Version 2. Collection method: clinical testing. Allele origin: germline. Affected: yes. Observed: 1 variant allele.
Comment: APC: BP4, BP7

Labcorp Genetics (formerly Invitae), Labcorp
Classification: Likely benign for Familial adenomatous polyposis 1. Last evaluated: 2019-08-16. Review status: criteria provided, single submitter. Criteria: Invitae Variant Classification Sherloc (09022015). Collection method: clinical testing. Allele origin: germline.

NM_000038.6(APC):c.4128T>C (p.Tyr1376=)

Gene: APC (APC regulator of Wnt signaling pathway; plus strand). Cytogenetic location: 5q22.2.
Variant type: single nucleotide variant.
Coding change: c.4128T>C on transcript NM_000038.6 (MANE Select); coding-DNA position 4128, T replaced by C.
Protein change: p.Tyr1376=; no amino-acid change (tyrosine 1376 retained).
Molecular consequence: synonymous variant.
Genome position (GRCh38, 1-based): chr5:112,839,722, T>C. VCF-style: chr5-112839722-T-C. GRCh37 (hg19) VCF-style: chr5-112175419-T-C.
Other names: c.4128T>C, p.Tyr1376= (NM_001127510.3, NM_001354895.2); c.4074T>C, p.Tyr1358= (NM_001127511.3); c.4182T>C, p.Tyr1394= (NM_001354896.2); c.4158T>C, p.Tyr1386= (NM_001354897.2); c.4053T>C, p.Tyr1351= (NM_001354898.2); c.4044T>C, p.Tyr1348= (NM_001354899.2); c.4005T>C, p.Tyr1335= (NM_001354900.2); c.3951T>C, p.Tyr1317= (NM_001354901.2); and 5 more.
Identifiers: ClinVar variation 537646 (VCV000537646.20), dbSNP rs1554085539, ClinGen allele CA445964136.